The following is an entry in ClinVar:

NM_001360016.2(G6PD):c.404A>G (p.Asn135Ser)

Gene: G6PD (glucose-6-phosphate dehydrogenase; minus strand). Cytogenetic location: Xq28.
Variant type: single nucleotide variant.
Coding change: c.404A>G on transcript NM_001360016.2 (MANE Select); coding-DNA position 404, A replaced by G.
Protein change: p.Asn135Ser; replaces asparagine 135 with serine.
Molecular consequence: missense variant.
Genome position (GRCh38, 1-based): chrX:154,535,249, T>C on the plus strand (A>G on the coding strand, the complement: G6PD is on the minus strand). VCF-style: chrX-154535249-T-C. GRCh37 (hg19) VCF-style: chrX-153763464-T-C.
Other names: c.494A>G, p.Asn165Ser (NM_000402.4); c.404A>G, p.Asn135Ser (NM_001042351.3); short protein forms N165S, N135S.
Identifiers: ClinVar variation 3719607 (VCV003719607.2).
Genomic context (GRCh38, chrX:154,535,249, plus strand): 5'-TGAATGTTCTTGGTGACGGCCTCGTAGACGGTCGGGGGCAAGGCCAGGTAGAAGAGGCGG[T>C]TGGCCTGTGACCCCAGGTGGAGGGCATTCATGTGGCTGTTGAGGCGCTGGTAGGAGGCTG-3'
Protein context (NP_001346945.1, residues 125-145): MNALHLGSQA[Asn135Ser]RLFYLALPPT

ClinVar aggregate classification (germline): Likely pathogenic (1 of 4 stars; one submission).

Conditions:
Anemia, nonspherocytic hemolytic, due to G6PD deficiency (CNSHA1). Also called: ANEMIA, CONGENITAL, NONSPHEROCYTIC HEMOLYTIC, 1; Hemolytic anemia due to G6PD deficiency; Class I glucose-6-phosphate dehydrogenase deficiency; Favism, susceptibility to. Identifiers: Orphanet 466026, MedGen C2720289, MONDO:0010480, OMIM 300908.

Submission:

Labcorp Genetics (formerly Invitae), Labcorp
Classification: Likely pathogenic for Anemia, nonspherocytic hemolytic, due to G6PD deficiency. Last evaluated: 2024-02-17. Review status: criteria provided, single submitter. Criteria: Invitae Variant Classification Sherloc (09022015). Collection method: clinical testing. Allele origin: germline.
Comment: This sequence change replaces asparagine, which is neutral and polar, with serine, which is neutral and polar, at codon 135 of the G6PD protein (p.Asn135Ser). This variant is not present in population databases (gnomAD no frequency). This variant has not been reported in the literature in individuals affected with G6PD-related conditions. Advanced modeling of protein sequence and biophysical properties (such as structural, functional, and spatial information, amino acid conservation, physicochemical variation, residue mobility, and thermodynamic stability) performed at Invitae indicates that this missense variant is expected to disrupt G6PD protein function with a positive predictive value of 95%. This variant disrupts the p.Asn135 amino acid residue in G6PD. Other variant(s) that disrupt this residue have been determined to be pathogenic (PMID: 22906837, 27519946). This suggests that this residue is clinically significant, and that variants that disrupt this residue are likely to be disease-causing. In summary, the currently available evidence indicates that the variant is pathogenic, but additional data are needed to prove that conclusively. Therefore, this variant has been classified as Likely Pathogenic.

Literature cited by the submitters: PubMed 22906837; PubMed 27519946.